The following is an entry in ClinVar:

NM_000492.4(CFTR):c.1993A>C (p.Thr665Pro)

Gene: CFTR (CF transmembrane conductance regulator; plus strand). Cytogenetic location: 7q31.2.
Variant type: single nucleotide variant.
Coding change: c.1993A>C on transcript NM_000492.4 (MANE Select); coding-DNA position 1993, A replaced by C.
Protein change: p.Thr665Pro; replaces threonine 665 with proline.
Molecular consequence: missense variant.
Genome position (GRCh38, 1-based): chr7:117,592,160, A>C. VCF-style: chr7-117592160-A-C. GRCh37 (hg19) VCF-style: chr7-117232214-A-C.
Other names: short protein forms T665P.
Identifiers: ClinVar variation 4001858 (VCV004001858.1).

ClinVar aggregate classification (germline): Uncertain significance (1 of 4 stars; one submission).

Conditions:
Cystic fibrosis (CF). Also called: MUCOVISCIDOSIS. Identifiers: Orphanet 586, MedGen C0010674, MONDO:0009061, OMIM 219700. Disease mechanism: loss of function.

Submission:

Ambry Genetics
Classification: Uncertain significance for Cystic fibrosis. Last evaluated: 2025-05-09. Review status: criteria provided, single submitter. Criteria: Ambry Variant Classification Scheme 2023. Collection method: clinical testing. Allele origin: germline.
Comment: The p.T665P variant (also known as c.1993A>C), located in coding exon 14 of the CFTR gene, results from an A to C substitution at nucleotide position 1993. The threonine at codon 665 is replaced by proline, an amino acid with highly similar properties. This amino acid position is conserved. In addition, this alteration is predicted to be deleterious by in silico analysis. Based on the available evidence, the clinical significance of this variant remains unclear.